The following is an entry in ClinVar:

NM_001267550.2(TTN):c.102823G>A (p.Val34275Ile)

Genes: TTN (titin; minus strand), TTN-AS1 (TTN antisense RNA 1; plus strand). Cytogenetic location: 2q31.2.
Variant type: single nucleotide variant.
Coding change: c.102823G>A on transcript NM_001267550.2 (MANE Select); coding-DNA position 102823, G replaced by A.
Protein change: p.Val34275Ile; replaces valine 34275 with isoleucine.
Molecular consequence: missense variant.
Genome position (GRCh38, 1-based): chr2:178,533,792, C>T on the plus strand (G>A on the coding strand, the complement: TTN is on the minus strand). VCF-style: chr2-178533792-C-T. GRCh37 (hg19) VCF-style: chr2-179398519-C-T.
Other names: c.97900G>A, p.Val32634Ile (NM_001256850.1); c.75628G>A, p.Val25210Ile (NM_003319.4); c.95119G>A, p.Val31707Ile (NM_133378.4); c.76003G>A, p.Val25335Ile (NM_133432.3); c.76204G>A, p.Val25402Ile (NM_133437.4); short protein forms V31707I, V34275I, V25210I, V25335I, V25402I, V32634I.
Identifiers: ClinVar variation 498714 (VCV000498714.13), dbSNP rs879063086, ClinGen allele CA60958903.
Genomic context (GRCh38, chr2:178,533,792, plus strand): 5'-CTGATTTATACCATGTTACATGAGGCTCTGGGTGGACAGTTATAGTTACTCCAAACCGGA[C>T]ATTTTCACCTACATAAGCTGTCTTATTATAGAGAGGCAGGGTAAATTCTGGTGGCCTTTC-3'
Protein context (NP_001254479.2, residues 34265-34285): YNKTAYVGEN[Val34275Ile]RFGVTITVHP

ClinVar aggregate classification (germline): Uncertain significance. Review status: criteria provided, multiple submitters, no conflicts (2 of 4 stars). 2 submissions from 2 submitters: Uncertain significance (2). Last evaluated 2025-07-13.

Conditions:
Dilated cardiomyopathy 1G (CMD1G). Identifiers: Orphanet 154, MedGen C1858763, MONDO:0011400, OMIM 604145.
Autosomal recessive limb-girdle muscular dystrophy type 2J (LGMDR10). Also called: MUSCULAR DYSTROPHY, LIMB-GIRDLE, AUTOSOMAL RECESSIVE 10; Limb-girdle muscular dystrophy, type 2J. Identifiers: Orphanet 140922, MedGen C1837342, MONDO:0012127, OMIM 608807.

Allele frequency attached by ClinVar (database versions not stated): gnomAD exomes below 0.00001 and 0.00002; TOPMed 0.00002; gnomAD 0.00003.
gnomAD v4.1: 7 of 1,613,848 alleles (0.00043%); highest among the groups gnomAD compares: African/African-American, 0.008%; no homozygotes.

Submissions (2):

Labcorp Genetics (formerly Invitae), Labcorp
Classification: Uncertain significance for Dilated cardiomyopathy 1G; Autosomal recessive limb-girdle muscular dystrophy type 2J. Last evaluated: 2025-07-13. Review status: criteria provided, single submitter. Criteria: Invitae Variant Classification Sherloc (09022015). Collection method: clinical testing. Allele origin: germline.
Comment: This sequence change replaces valine, which is neutral and non-polar, with isoleucine, which is neutral and non-polar, at codon 34275 of the TTN protein (p.Val34275Ile). This variant is present in population databases (no rsID available, gnomAD 0.02%). This variant has not been reported in the literature in individuals affected with TTN-related conditions. ClinVar contains an entry for this variant (Variation ID: 498714). Experimental studies and prediction algorithms are not available or were not evaluated, and the functional significance of this variant is currently unknown. This variant is located in the M band of TTN (PMID: 25589632). Non-truncating variants in this region may be relevant for neuromuscular disorders, but have not been definitively shown to cause cardiomyopathy (PMID: 23975875). In summary, the available evidence is currently insufficient to determine the role of this variant in disease. Therefore, it has been classified as a Variant of Uncertain Significance.

Eurofins Ntd Llc (ga)
Classification: Uncertain significance. Last evaluated: 2016-12-01. Review status: criteria provided, single submitter. Criteria: EGL Classification Definitions 2015. Collection method: clinical testing. Allele origin: germline. Observed: 1 variant allele, 1 heterozygote.

Literature cited by the submitters: PubMed 25589632 (cited by Labcorp Genetics (formerly Invitae), Labcorp); PubMed 23975875 (cited by Labcorp Genetics (formerly Invitae), Labcorp).